The following is an entry in ClinVar:

NM_006516.4(SLC2A1):c.172C>T (p.Pro58Ser)

Gene: SLC2A1 (solute carrier family 2 member 1; minus strand). Cytogenetic location: 1p34.2.
Variant type: single nucleotide variant.
Coding change: c.172C>T on transcript NM_006516.4 (MANE Select); coding-DNA position 172, C replaced by T.
Protein change: p.Pro58Ser; replaces proline 58 with serine.
Molecular consequence: missense variant.
Genome position (GRCh38, 1-based): chr1:42,931,149, G>A on the plus strand (C>T on the coding strand, the complement: SLC2A1 is on the minus strand). VCF-style: chr1-42931149-G-A. GRCh37 (hg19) VCF-style: chr1-43396820-G-A.
Other names: short protein forms P58S.
Identifiers: ClinVar variation 538681 (VCV000538681.22), dbSNP rs765479065, ClinGen allele CA803602.

ClinVar aggregate classification (germline): Uncertain significance. Review status: criteria provided, multiple submitters, no conflicts (2 of 4 stars). 9 submissions from 4 submitters: Uncertain significance (9). Last evaluated 2025-09-08.

Conditions:
Epilepsy, idiopathic generalized, susceptibility to, 12 (EIG12). Identifiers: MedGen C3553859, MONDO:0013919, OMIM 614847.
Dystonia 9 (DYT9). Also called: CHOREOATHETOSIS, KINESIGENIC, WITH EPISODIC ATAXIA AND SPASTICITY. Identifiers: Orphanet 53583, MedGen C1832855, MONDO:0010983, OMIM 601042.
GLUT1 deficiency syndrome 1, autosomal recessive. Identifiers: MedGen C3149117.
Childhood onset GLUT1 deficiency syndrome 2. Also called: PAROXYSMAL EXERCISE-INDUCED DYSKINESIA WITH OR WITHOUT EPILEPSY AND/OR HEMOLYTIC ANEMIA; PAROXYSMAL EXERTION-INDUCED DYSTONIA WITH OR WITHOUT EPILEPSY AND/OR HEMOLYTIC ANEMIA; PED WITH OR WITHOUT EPILEPSY AND/OR HEMOLYTIC ANEMIA; Exertion-induced paroxysmal dyskinesia; Paroxysmal exercise-induced dystonia; PxMD-SLC2A1. Identifiers: Orphanet 98811, MedGen C1842534, MONDO:0012805, OMIM 612126.
Encephalopathy due to GLUT1 deficiency. Also called: GLUCOSE TRANSPORT DEFECT, BLOOD-BRAIN BARRIER; Classic Glucose Transporter Type 1 Deficiency Syndrome; De Vivo disease; Glucose transporter protein syndrome; GLUT1 deficiency syndrome 1, infantile onset, severe; GLUT1 deficiency syndrome 1. Identifiers: Orphanet 71277, MedGen C4551966, MONDO:0011724, OMIM 606777.
Inborn genetic diseases. Identifiers: MedGen C0950123, MeSH D030342.
Hereditary cryohydrocytosis with reduced stomatin. Also called: Stomatin-deficient cryohydrocytosis with neurologic defects; GLUT1 DEFICIENCY SYNDROME WITH PSEUDOHYPERKALEMIA AND HEMOLYSIS. Identifiers: Orphanet 168577, MedGen C1837206, MONDO:0012143, OMIM 608885.

Allele frequency attached by ClinVar (database versions not stated): ExAC 0.00002; gnomAD 0.00002; gnomAD exomes 0.00002 and 0.00004; TOPMed 0.00003.
gnomAD v4.1: 56 of 1,614,006 alleles (0.0035%); highest among the groups gnomAD compares: Non-Finnish European, 0.0047%; no homozygotes.

Submissions (9):

Labcorp Genetics (formerly Invitae), Labcorp
Classification: Uncertain significance for GLUT1 deficiency syndrome 1, autosomal recessive. Last evaluated: 2025-09-08. Review status: criteria provided, single submitter. Criteria: Invitae Variant Classification Sherloc (09022015). Collection method: clinical testing. Allele origin: germline.
Comment: This sequence change replaces proline, which is neutral and non-polar, with serine, which is neutral and polar, at codon 58 of the SLC2A1 protein (p.Pro58Ser). This variant is present in population databases (rs765479065, gnomAD 0.006%). This variant has not been reported in the literature in individuals affected with SLC2A1-related conditions. ClinVar contains an entry for this variant (Variation ID: 538681). Invitae Evidence Modeling of protein sequence and biophysical properties (such as structural, functional, and spatial information, amino acid conservation, physicochemical variation, residue mobility, and thermodynamic stability) indicates that this missense variant is not expected to disrupt SLC2A1 protein function with a negative predictive value of 95%. In summary, the available evidence is currently insufficient to determine the role of this variant in disease. Therefore, it has been classified as a Variant of Uncertain Significance.

Genome-Nilou Lab
Classification: Uncertain significance for Epilepsy, idiopathic generalized, susceptibility to, 12. Last evaluated: 2023-04-11. Review status: criteria provided, single submitter. Criteria: ACMG Guidelines, 2015. Collection method: clinical testing. Allele origin: germline. Affected: no.

Genome-Nilou Lab
Classification: Uncertain significance for Dystonia 9. Last evaluated: 2023-04-11. Review status: criteria provided, single submitter. Criteria: ACMG Guidelines, 2015. Collection method: clinical testing. Allele origin: germline. Affected: no.

Genome-Nilou Lab
Classification: Uncertain significance for Encephalopathy due to GLUT1 deficiency. Last evaluated: 2023-04-11. Review status: criteria provided, single submitter. Criteria: ACMG Guidelines, 2015. Collection method: clinical testing. Allele origin: germline. Affected: no.

Genome-Nilou Lab
Classification: Uncertain significance for Childhood onset GLUT1 deficiency syndrome 2. Last evaluated: 2023-04-11. Review status: criteria provided, single submitter. Criteria: ACMG Guidelines, 2015. Collection method: clinical testing. Allele origin: germline. Affected: no.

Genome-Nilou Lab
Classification: Uncertain significance for Hereditary cryohydrocytosis with reduced stomatin. Last evaluated: 2023-04-11. Review status: criteria provided, single submitter. Criteria: ACMG Guidelines, 2015. Collection method: clinical testing. Allele origin: germline. Affected: no.

Illumina Laboratory Services, Illumina
Classification: Uncertain significance for Encephalopathy due to GLUT1 deficiency. Last evaluated: 2018-01-15. Review status: criteria provided, single submitter. Criteria: ICSL Variant Classification Criteria 13 December 2019. Collection method: clinical testing. Allele origin: germline.

Illumina Laboratory Services, Illumina
Classification: Uncertain significance for Dystonia 9. Last evaluated: 2018-01-15. Review status: criteria provided, single submitter. Criteria: ICSL Variant Classification Criteria 13 December 2019. Collection method: clinical testing. Allele origin: germline.

Ambry Genetics
Classification: Uncertain significance for Inborn genetic diseases. Last evaluated: 2017-04-11. Review status: criteria provided, single submitter. Criteria: Ambry Variant Classification Scheme 2023. Collection method: clinical testing. Allele origin: germline.
Comment: The p.P58S variant (also known as c.172C>T), located in coding exon 3 of the SLC2A1 gene, results from a C to T substitution at nucleotide position 172. The proline at codon 58 is replaced by serine, an amino acid with similar properties. This amino acid position is not well conserved in available vertebrate species. In addition, this alteration is predicted to be tolerated by in silico analysis. Since supporting evidence is limited at this time, the clinical significance of this alteration remains unclear.